The following is an entry in ClinVar:

ClinVar aggregate classification (germline): Conflicting classifications of pathogenicity. Review status: criteria provided, conflicting classifications (1 of 4 stars). 5 submissions from 5 submitters: Uncertain significance (2); Benign (1); Likely benign (2). Last evaluated 2026-07-23.

Conditions:
Hereditary cancer-predisposing syndrome. Also called: Hereditary Cancer Syndrome; Tumor predisposition; Hereditary neoplastic syndrome; Neoplastic Syndromes, Hereditary. Identifiers: Orphanet 140162, MedGen C0027672, MeSH D009386, MONDO:0015356.
Rhabdoid tumor predisposition syndrome 2 (RTPS2). Identifiers: Orphanet 231108, Orphanet 69077, MedGen C2750074, MONDO:0013224, OMIM 613325.

Allele frequency attached by ClinVar (database versions not stated): gnomAD exomes 0.00002 and 0.00008; TOPMed 0.00002; gnomAD 0.00002; ExAC below 0.00001.

Submissions (5):

Myriad Genetics, Inc.
Classification: Benign for Rhabdoid tumor predisposition syndrome 2. Last evaluated: 2026-07-23. Review status: criteria provided, single submitter. Criteria: Myriad Autosomal Dominant, Autosomal Recessive and X-Linked Classification Criteria (2023). Collection method: clinical testing. Allele origin: unknown.
Comment: This variant is considered benign. This variant is a silent/synonymous amino acid change and it is not expected to impact splicing.

Labcorp Genetics (formerly Invitae), Labcorp
Classification: Likely benign for Rhabdoid tumor predisposition syndrome 2. Last evaluated: 2025-11-22. Review status: criteria provided, single submitter. Criteria: Invitae Variant Classification Sherloc (09022015). Collection method: clinical testing. Allele origin: germline.

Quest Diagnostics Nichols Institute San Juan Capistrano
Classification: Uncertain significance. Last evaluated: 2024-01-11. Review status: criteria provided, single submitter. Criteria: Quest Diagnostics criteria. Collection method: clinical testing. Allele origin: unknown.
Comment: The SMARCA4 c.4734C>T (p.Ile1578=) synonymous variant has not been reported in individuals with SMARCA4-related conditions in the published literature. The frequency of this variant in the general population, 0.000045 (4/88184 chromosomes (Genome Aggregation Database)), is uninformative in the assessment of its pathogenicity. Analysis of this variant using software algorithms for the prediction of the effect of nucleotide changes on splicing yielded predictions that this variant does not affect SMARCA4 mRNA splicing. Based on the available information, we are unable to determine the clinical significance of this variant.

GeneDx
Classification: Uncertain significance. Last evaluated: 2023-10-26. Review status: criteria provided, single submitter. Criteria: GeneDx Variant Classification Process June 2021. Collection method: clinical testing. Allele origin: germline.
Comment: In silico analysis suggests this variant may impact gene splicing. In the absence of RNA/functional studies, the actual effect of this sequence change is unknown; Has not been previously published as pathogenic or benign to our knowledge; This variant is associated with the following publications: (PMID: 32686686)

Ambry Genetics
Classification: Likely benign for Hereditary cancer-predisposing syndrome. Last evaluated: 2015-07-13. Review status: criteria provided, single submitter. Criteria: Ambry Variant Classification Scheme 2023. Collection method: clinical testing. Allele origin: germline.

NM_003072.5(SMARCA4):c.4638C>T (p.Ile1546=)

Gene: SMARCA4 (SWI/SNF related BAF chromatin remodeling complex subunit ATPase 4; plus strand). Cytogenetic location: 19p13.2.
Variant type: single nucleotide variant.
Coding change: c.4638C>T on transcript NM_003072.5 (MANE Select); coding-DNA position 4638, C replaced by T.
Protein change: p.Ile1546=; no amino-acid change (isoleucine 1546 retained).
Molecular consequence: synonymous variant. On other transcripts: non-coding transcript variant (1).
Genome position (GRCh38, 1-based): chr19:11,059,755, C>T. VCF-style: chr19-11059755-C-T. GRCh37 (hg19) VCF-style: chr19-11170431-C-T.
Other names: c.4638C>T, p.Ile1546= (NM_001128844.3); c.4548C>T, p.Ile1516= (NM_001128845.2); c.4545C>T, p.Ile1515= (NM_001128846.2); c.4539C>T, p.Ile1513= (NM_001128847.4, NM_001374457.1); c.4536C>T, p.Ile1512= (NM_001128848.2); c.4734C>T, p.Ile1578= (NM_001128849.3, NM_001387283.1).
Identifiers: ClinVar variation 238482 (VCV000238482.19), dbSNP rs758343834, ClinGen allele CA9204821.